The following is an entry in ClinVar:

ClinVar aggregate classification (germline): Uncertain significance. Review status: criteria provided, multiple submitters, no conflicts (2 of 4 stars). 2 submissions from 2 submitters: Uncertain significance (2). Last evaluated 2025-06-18.

Conditions:
Inborn genetic diseases. Identifiers: MedGen C0950123, MeSH D030342.

Allele frequency attached by ClinVar (database versions not stated): ExAC 0.00001; gnomAD 0.00001; gnomAD exomes 0.00001.
gnomAD v4.1: 11 of 1,477,258 alleles (0.00074%); highest among the groups gnomAD compares: Non-Finnish European, 0.00099%; no homozygotes.

Submissions (2):

Ambry Genetics
Classification: Uncertain significance for Inborn genetic diseases. Last evaluated: 2025-06-18. Review status: criteria provided, single submitter. Criteria: Ambry Variant Classification Scheme 2023. Collection method: clinical testing. Allele origin: germline.

Labcorp Genetics (formerly Invitae), Labcorp
Classification: Uncertain significance. Last evaluated: 2023-11-18. Review status: criteria provided, single submitter. Criteria: Invitae Variant Classification Sherloc (09022015). Collection method: clinical testing. Allele origin: germline.
Comment: This sequence change replaces serine, which is neutral and polar, with proline, which is neutral and non-polar, at codon 1574 of the PTPN23 protein (p.Ser1574Pro). This variant is present in population databases (rs774355652, gnomAD 0.002%). This variant has not been reported in the literature in individuals affected with PTPN23-related conditions. ClinVar contains an entry for this variant (Variation ID: 1509659). Experimental studies and prediction algorithms are not available or were not evaluated, and the functional significance of this variant is currently unknown. In summary, the available evidence is currently insufficient to determine the role of this variant in disease. Therefore, it has been classified as a Variant of Uncertain Significance.

NM_015466.4(PTPN23):c.4720T>C (p.Ser1574Pro)

Gene: PTPN23 (protein tyrosine phosphatase non-receptor type 23; plus strand). Cytogenetic location: 3p21.31.
Variant type: single nucleotide variant.
Coding change: c.4720T>C on transcript NM_015466.4 (MANE Select); coding-DNA position 4720, T replaced by C.
Protein change: p.Ser1574Pro; replaces serine 1574 with proline.
Molecular consequence: missense variant.
Genome position (GRCh38, 1-based): chr3:47,412,994, T>C. VCF-style: chr3-47412994-T-C. GRCh37 (hg19) VCF-style: chr3-47454484-T-C.
Other names: c.4342T>C, p.Ser1448Pro (NM_001304482.2); c.4720T>C (NM_015466.2); short protein forms S1448P, S1574P.
Identifiers: ClinVar variation 1509659 (VCV001509659.7), dbSNP rs774355652, ClinGen allele CA2366691.